The following is an entry in ClinVar:

ClinVar aggregate classification (germline): Uncertain significance. Review status: criteria provided, multiple submitters, no conflicts (2 of 4 stars). 2 submissions from 2 submitters: Uncertain significance (2). Last evaluated 2025-01-27.

Conditions:
Brugada syndrome. Also called: Sudden unexpected nocturnal death syndrome; Sudden unexplained nocturnal death syndrome; Sudden Unexplained Death Syndrome; Sudden Unexplained Nocturnal Death Syndrome (SUNDS). Identifiers: Orphanet 130, MedGen C1142166, MONDO:0015263.
Cardiovascular phenotype. Identifiers: MedGen CN230736.

gnomAD v4.1: 4 of 1,613,918 alleles (0.00025%); highest among the groups gnomAD compares: Non-Finnish European, 0.00034%; no homozygotes.

Submissions (2):

Labcorp Genetics (formerly Invitae), Labcorp
Classification: Uncertain significance for Brugada syndrome. Last evaluated: 2025-01-27. Review status: criteria provided, single submitter. Criteria: Invitae Variant Classification Sherloc (09022015). Collection method: clinical testing. Allele origin: germline.
Comment: This sequence change replaces isoleucine, which is neutral and non-polar, with leucine, which is neutral and non-polar, at codon 100 of the GPD1L protein (p.Ile100Leu). This variant is not present in population databases (gnomAD no frequency). This variant has not been reported in the literature in individuals affected with GPD1L-related conditions. ClinVar contains an entry for this variant (Variation ID: 1798484). Invitae Evidence Modeling of protein sequence and biophysical properties (such as structural, functional, and spatial information, amino acid conservation, physicochemical variation, residue mobility, and thermodynamic stability) indicates that this missense variant is not expected to disrupt GPD1L protein function with a negative predictive value of 80%. In summary, the available evidence is currently insufficient to determine the role of this variant in disease. Therefore, it has been classified as a Variant of Uncertain Significance.

Ambry Genetics
Classification: Uncertain significance for Cardiovascular phenotype. Last evaluated: 2022-06-02. Review status: criteria provided, single submitter. Criteria: Ambry Variant Classification Scheme 2023. Collection method: clinical testing. Allele origin: germline.
Comment: The p.I100L variant (also known as c.298A>C), located in coding exon 3 of the GPD1L gene, results from an A to C substitution at nucleotide position 298. The isoleucine at codon 100 is replaced by leucine, an amino acid with highly similar properties. This amino acid position is conserved. In addition, this alteration is predicted to be tolerated by in silico analysis. Since supporting evidence is limited at this time, the clinical significance of this alteration remains unclear.

NM_015141.4(GPD1L):c.298A>C (p.Ile100Leu)

Gene: GPD1L (glycerol-3-phosphate dehydrogenase 1 like; plus strand). Cytogenetic location: 3p22.3.
Variant type: single nucleotide variant.
Coding change: c.298A>C on transcript NM_015141.4 (MANE Select); coding-DNA position 298, A replaced by C.
Protein change: p.Ile100Leu; replaces isoleucine 100 with leucine.
Molecular consequence: missense variant.
Genome position (GRCh38, 1-based): chr3:32,138,659, A>C. VCF-style: chr3-32138659-A-C. GRCh37 (hg19) VCF-style: chr3-32180151-A-C.
Other names: short protein forms I100L.
Identifiers: ClinVar variation 1798484 (VCV001798484.4), dbSNP rs771610382, ClinGen allele CA351974270.